The following is an entry in ClinVar:

ClinVar aggregate classification (germline): Pathogenic. Review status: criteria provided, single submitter (1 of 4 stars). 2 submissions from 2 submitters: Pathogenic (1). 1 of the submissions does not count toward it. Last evaluated 2023-03-07.

Conditions:
Deficiency of alpha-mannosidase (MANSA). Also called: LYSOSOMAL ALPHA-D-MANNOSIDASE DEFICIENCY; Alpha-Mannosidosis; Mannosidosis, alpha-, types I and II. Identifiers: Orphanet 61, MedGen C0024748, MONDO:0009561, OMIM 248500.

Allele frequency attached by ClinVar (database versions not stated): gnomAD exomes below 0.00001.

Submissions (2):

Labcorp Genetics (formerly Invitae), Labcorp
Classification: Pathogenic for Deficiency of alpha-mannosidase. Last evaluated: 2023-03-07. Review status: criteria provided, single submitter. Criteria: Invitae Variant Classification Sherloc (09022015). Collection method: clinical testing. Allele origin: germline.
Comment: This sequence change creates a premature translational stop signal (p.Ala19Serfs*55) in the MAN2B1 gene. It is expected to result in an absent or disrupted protein product. Loss-of-function variants in MAN2B1 are known to be pathogenic (PMID: 9915946, 22161967). This variant is not present in population databases (gnomAD no frequency). This variant has not been reported in the literature in individuals affected with MAN2B1-related conditions. ClinVar contains an entry for this variant (Variation ID: 370845). For these reasons, this variant has been classified as Pathogenic.

Counsyl
Classification: Likely pathogenic for Deficiency of alpha-mannosidase. Last evaluated: 2016-04-28. Review status: no assertion criteria provided. Collection method: clinical testing. Allele origin: unknown. Not counted in ClinVar's aggregate classification.

Literature cited by the submitters: PubMed 9915946 (cited by Labcorp Genetics (formerly Invitae), Labcorp); PubMed 22161967 (cited by Labcorp Genetics (formerly Invitae), Labcorp).

NM_000528.4(MAN2B1):c.53_54insT (p.Ala19fs)

Genes: MAN2B1 (mannosidase alpha class 2B member 1; minus strand), LOC130063650 (ATAC-STARR-seq lymphoblastoid silent region 10156; plus strand). Cytogenetic location: 19p13.13.
Variant type: Insertion.
Coding change: c.53_54insT on transcript NM_000528.4 (MANE Select); coding-DNA positions 53 to 54, T inserted.
Protein change: p.Ala19fs; shifts the reading frame from alanine 19.
Molecular consequence: frameshift variant.
Genome position: GRCh38 VCF-style: chr19-12666648-T-TA. GRCh37 (hg19) VCF-style: chr19-12777462-T-TA.
Other names: c.53_54insT, p.Ala19fs (NM_001173498.2); short protein forms A19fs.
Identifiers: ClinVar variation 370845 (VCV000370845.11), dbSNP rs1057516810, ClinGen allele CA16041960.